The following is an entry in ClinVar:

ClinVar aggregate classification (germline): Uncertain significance (1 of 4 stars; one submission).

Allele frequency attached by ClinVar (database versions not stated): TOPMed below 0.00001.

Submission:

Labcorp Genetics (formerly Invitae), Labcorp
Classification: Uncertain significance. Last evaluated: 2022-06-28. Review status: criteria provided, single submitter. Criteria: Invitae Variant Classification Sherloc (09022015). Collection method: clinical testing. Allele origin: germline.
Comment: This sequence change replaces histidine, which is basic and polar, with tyrosine, which is neutral and polar, at codon 653 of the ACO2 protein (p.His653Tyr). This variant is not present in population databases (gnomAD no frequency). This variant has not been reported in the literature in individuals affected with ACO2-related conditions. Algorithms developed to predict the effect of missense changes on protein structure and function (SIFT, PolyPhen-2, Align-GVGD) all suggest that this variant is likely to be tolerated. In summary, the available evidence is currently insufficient to determine the role of this variant in disease. Therefore, it has been classified as a Variant of Uncertain Significance.

NM_001098.3(ACO2):c.1957C>T (p.His653Tyr)

Genes: ACO2 (aconitase 2; plus strand), POLR3H (RNA polymerase III subunit H; minus strand). Cytogenetic location: 22q13.2.
Variant type: single nucleotide variant.
Coding change: c.1957C>T on transcript NM_001098.3 (MANE Select); coding-DNA position 1957, C replaced by T.
Protein change: p.His653Tyr; replaces histidine 653 with tyrosine.
Molecular consequence: missense variant. On other transcripts: 3 prime UTR variant (5).
Genome position (GRCh38, 1-based): chr22:41,527,291, C>T. VCF-style: chr22-41527291-C-T. GRCh37 (hg19) VCF-style: chr22-41923295-C-T.
Other names: c.*1992G>A (NM_001018050.4, NM_001018052.4, NM_001282884.2 and 2 more transcripts); short protein forms H653Y.
Identifiers: ClinVar variation 1935038 (VCV001935038.5), dbSNP rs2066621220, ClinGen allele CA411728794.